The following is an entry in ClinVar:

ClinVar aggregate classification (germline): Uncertain significance (1 of 4 stars; one submission).

Conditions:
Cardiovascular phenotype. Identifiers: MedGen CN230736.

gnomAD v4.1: 4 of 1,613,968 alleles (0.00025%); highest among the groups gnomAD compares: Non-Finnish European, 0.00025%; no homozygotes.

Submission:

Ambry Genetics
Classification: Uncertain significance for Cardiovascular phenotype. Last evaluated: 2026-07-11. Review status: criteria provided, single submitter. Criteria: Ambry Variant Classification Scheme 2023. Collection method: clinical testing. Allele origin: germline.
Comment: The p.L1258P variant (also known as c.3773T>C), located in coding exon 21 of the SCN10A gene, results from a T to C substitution at nucleotide position 3773. The leucine at codon 1258 is replaced by proline, an amino acid with similar properties. This amino acid position is conserved. In addition, this alteration is predicted to be deleterious by in silico analysis. Based on the available evidence, the clinical significance of this variant remains unclear.

NM_006514.4(SCN10A):c.3773T>C (p.Leu1258Pro)

Gene: SCN10A (sodium voltage-gated channel alpha subunit 10; minus strand). Cytogenetic location: 3p22.2.
Variant type: single nucleotide variant.
Coding change: c.3773T>C on transcript NM_006514.4 (MANE Select); coding-DNA position 3773, T replaced by C.
Protein change: p.Leu1258Pro; replaces leucine 1258 with proline.
Molecular consequence: missense variant.
Genome position (GRCh38, 1-based): chr3:38,713,989, A>G on the plus strand (T>C on the coding strand, the complement: SCN10A is on the minus strand). VCF-style: chr3-38713989-A-G. GRCh37 (hg19) VCF-style: chr3-38755480-A-G.
Other names: c.3770T>C, p.Leu1257Pro (NM_001293306.2); c.3479T>C, p.Leu1160Pro (NM_001293307.2); short protein forms L1160P, L1258P, L1257P.
Identifiers: ClinVar variation 5029083 (VCV005029083.1).